The following is an entry in ClinVar:

NM_001031679.3(MSRB3):c.-98CTGCCT[1]

Gene: MSRB3 (methionine sulfoxide reductase B3; plus strand). Cytogenetic location: 12q14.3.
Variant type: Microsatellite.
Coding change: c.-98CTGCCT[1] on transcript NM_001031679.3 (MANE Select); one copy of the 6-base unit CTGCCT starting at c.-98; the reference has three copies in a row; two copies, 12 bases deleted.
Molecular consequence: 5 prime UTR variant. On other transcripts: inframe deletion (1).
Genome position (GRCh38, 1-based): chr12:65,278,825-65,278,836, CTGCCTCTGCCT deleted; deleting any 12 consecutive bases within chr12:65,278,816-65,278,836 gives the same sequence; the position shown is the placement nearest the transcript's 3' end. VCF-style (leftmost placement, unchanged base first): chr12-65278815-CCCTCTGCCTCTG-C. GRCh37 (hg19) VCF-style: chr12-65672595-CCCTCTGCCTCTG-C.
Other names: c.-262CTGCCT[1] (NM_001193460.2); c.51CTGCCT[1], p.18CL[1] (NM_198080.4).
Identifiers: ClinVar variation 4980226 (VCV004980226.1).

ClinVar aggregate classification (germline): Uncertain significance (1 of 4 stars; one submission).

Conditions:
MSRB3-related disorder. Also called: MSRB3-related condition.

Submission:

PreventionGenetics, part of Exact Sciences
Classification: Uncertain significance for MSRB3-related condition. Last evaluated: 2025-03-31. Review status: criteria provided, single submitter. Criteria: ACMG Guidelines, 2015. Collection method: clinical testing. Allele origin: germline.
Comment: The MSRB3 c.57_68del12 variant is predicted to result in an in-frame deletion (p.Cys20_Leu23del). To our knowledge, this variant has not been reported in the literature. This variant is reported in 0.0074% of alleles in individuals of East Asian descent in gnomAD. At this time, the clinical significance of this variant is uncertain due to the absence of conclusive functional and genetic evidence.